The following is an entry in ClinVar:

NM_004183.4(BEST1):c.620T>A (p.Leu207His)

Gene: BEST1 (bestrophin 1; plus strand). Cytogenetic location: 11q12.3.
Variant type: single nucleotide variant.
Coding change: c.620T>A on transcript NM_004183.4 (MANE Select); coding-DNA position 620, T replaced by A.
Protein change: p.Leu207His; replaces leucine 207 with histidine.
Molecular consequence: missense variant. On other transcripts: non-coding transcript variant (1).
Genome position (GRCh38, 1-based): chr11:61,956,982, T>A. VCF-style: chr11-61956982-T-A. GRCh37 (hg19) VCF-style: chr11-61724454-T-A.
Other names: c.440T>A, p.Leu147His (NM_001139443.3, NM_001300786.2, NM_001300787.2); c.302T>A, p.Leu101His (NM_001363591.3); c.620T>A, p.Leu207His (NM_001363592.2); c.-556T>A (NM_001363593.3); short protein forms L101H, L207H, L147H.
Identifiers: ClinVar variation 812232 (VCV000812232.10), dbSNP rs1591289408, ClinGen allele CA380837902.

ClinVar aggregate classification (germline): Uncertain significance. Review status: criteria provided, single submitter (1 of 4 stars). 2 submissions from 2 submitters: Uncertain significance (1). 1 of the submissions does not count toward it. Last evaluated 2019-12-05.

Conditions:
maculopathy.

Submissions (2):

Labcorp Genetics (formerly Invitae), Labcorp
Classification: Uncertain significance. Last evaluated: 2019-12-05. Review status: criteria provided, single submitter. Criteria: Invitae Variant Classification Sherloc (09022015). Collection method: clinical testing. Allele origin: germline.
Comment: This sequence change replaces leucine with histidine at codon 207 of the BEST1 protein (p.Leu207His). The leucine residue is highly conserved and there is a moderate physicochemical difference between leucine and histidine. In summary, the available evidence is currently insufficient to determine the role of this variant in disease. Therefore, it has been classified as a Variant of Uncertain Significance. Algorithms developed to predict the effect of missense changes on protein structure and function are either unavailable or do not agree on the potential impact of this missense change (SIFT: "Deleterious"; PolyPhen-2: "Probably Damaging"; Align-GVGD: "Class C0"). This variant is not present in population databases (ExAC no frequency). This variant has not been reported in the literature in individuals with BEST1-related conditions.

Sharon lab, Hadassah-Hebrew University Medical Center
Classification: Pathogenic for Maculopathy. Last evaluated: 2019-06-23. Review status: no assertion criteria provided. Collection method: research. Allele origin: inherited. Affected: yes. Not counted in ClinVar's aggregate classification.